The following is an entry in ClinVar:

ClinVar aggregate classification (germline): Uncertain significance. Review status: criteria provided, multiple submitters, no conflicts (2 of 4 stars). 2 submissions from 2 submitters: Uncertain significance (2). Last evaluated 2024-10-26.

Conditions:
Inborn genetic diseases. Identifiers: MedGen C0950123, MeSH D030342.

Allele frequency attached by ClinVar (database versions not stated): gnomAD 0.00001; ExAC 0.00004; gnomAD exomes 0.00004; TOPMed 0.00010.
gnomAD v4.1: 23 of 1,613,840 alleles (0.0014%); highest among the groups gnomAD compares: Admixed American, 0.0033%; no homozygotes.

Submissions (2):

Labcorp Genetics (formerly Invitae), Labcorp
Classification: Uncertain significance. Last evaluated: 2024-10-26. Review status: criteria provided, single submitter. Criteria: Invitae Variant Classification Sherloc (09022015). Collection method: clinical testing. Allele origin: germline.
Comment: This sequence change replaces proline, which is neutral and non-polar, with serine, which is neutral and polar, at codon 916 of the SLC24A1 protein (p.Pro916Ser). This variant is present in population databases (rs755718899, gnomAD 0.007%). This variant has not been reported in the literature in individuals affected with SLC24A1-related conditions. ClinVar contains an entry for this variant (Variation ID: 1443245). An algorithm developed to predict the effect of missense changes on protein structure and function (PolyPhen-2) suggests that this variant is likely to be disruptive. In summary, the available evidence is currently insufficient to determine the role of this variant in disease. Therefore, it has been classified as a Variant of Uncertain Significance.

Ambry Genetics
Classification: Uncertain significance for Inborn genetic diseases. Last evaluated: 2023-12-19. Review status: criteria provided, single submitter. Criteria: Ambry Variant Classification Scheme 2023. Collection method: clinical testing. Allele origin: germline.

NM_004727.3(SLC24A1):c.2746C>T (p.Pro916Ser)

Gene: SLC24A1 (solute carrier family 24 member 1; plus strand). Cytogenetic location: 15q22.31.
Variant type: single nucleotide variant.
Coding change: c.2746C>T on transcript NM_004727.3 (MANE Select); coding-DNA position 2746, C replaced by T.
Protein change: p.Pro916Ser; replaces proline 916 with serine.
Molecular consequence: missense variant.
Genome position (GRCh38, 1-based): chr15:65,650,895, C>T. VCF-style: chr15-65650895-C-T. GRCh37 (hg19) VCF-style: chr15-65943233-C-T.
Other names: c.2746C>T (NM_004727.2); c.727C>T, p.Pro243Ser (NM_001254740.2); c.2746C>T, p.Pro916Ser (NM_001301031.1); c.2692C>T, p.Pro898Ser (NM_001301032.1, NM_001301033.2); short protein forms P243S, P916S, P898S.
Identifiers: ClinVar variation 1443245 (VCV001443245.7), dbSNP rs755718899, ClinGen allele CA7620188.